The following is an entry in ClinVar:

ClinVar aggregate classification (germline): Pathogenic (1 of 4 stars; one submission).

Submission:

Labcorp Genetics (formerly Invitae), Labcorp
Classification: Pathogenic. Last evaluated: 2021-03-28. Review status: criteria provided, single submitter. Criteria: Invitae Variant Classification Sherloc (09022015). Collection method: clinical testing. Allele origin: germline.
Comment: For these reasons, this variant has been classified as Pathogenic. This variant has not been reported in the literature in individuals with TFAP2B-related conditions. A gross deletion of the genomic region encompassing the full coding sequence of the TFAP2B gene has been identified. Loss-of-function variants in TFAP2B are known to be pathogenic (PMID: 15684060). The boundaries of this event are unknown as they extend beyond the assayed region for this gene and therefore may encompass additional genes.

Literature cited by the submitters: PubMed 15684060.

NC_000006.11:g.(?_50011288)_(50812180_?)del

Genes: DEFB112 (defensin beta 112; minus strand), TFAP2B (transcription factor AP-2 beta; plus strand), TFAP2D (transcription factor AP-2 delta; plus strand). Cytogenetic location: 6p12.3.
Variant type: Deletion.
Identifiers: ClinVar variation 1455701 (VCV001455701.5).